The following is an entry in ClinVar:

NM_001039348.3(EFEMP1):c.419G>A (p.Arg140Gln)

Gene: EFEMP1 (EGF-like fibulin extracellular matrix protein 1; minus strand). Cytogenetic location: 2p16.1.
Variant type: single nucleotide variant.
Coding change: c.419G>A on transcript NM_001039348.3 (MANE Select); coding-DNA position 419, G replaced by A.
Protein change: p.Arg140Gln; replaces arginine 140 with glutamine.
Molecular consequence: missense variant.
Genome position (GRCh38, 1-based): chr2:55,917,763, C>T on the plus strand (G>A on the coding strand, the complement: EFEMP1 is on the minus strand). VCF-style: chr2-55917763-C-T. GRCh37 (hg19) VCF-style: chr2-56144898-C-T.
Other names: c.419G>A, p.Arg140Gln (NM_001039349.3); short protein forms R140Q.
Identifiers: ClinVar variation 1513781 (VCV001513781.8), dbSNP rs745831485, ClinGen allele CA1668945.
Genomic context (GRCh38, chr2:55,917,763, plus strand): 5'-GCACACTGGATACGGTGGGAAGGGTTGGAGGGAATGCGCTGAGGGTCAGCTGGGTTCCGC[C>T]GGATGACAAAGTTATTTCGGCCAGTCTGCATTTCAGGGCCTGCGACTGCAGCAGCACTGG-3'
Protein context (NP_001034437.1, residues 130-150): MQTGRNNFVI[Arg140Gln]RNPADPQRIP

ClinVar aggregate classification (germline): Uncertain significance (1 of 4 stars; one submission).

Allele frequency attached by ClinVar (database versions not stated): TOPMed below 0.00001; gnomAD exomes 0.00001 and 0.00002; gnomAD 0.00002; ExAC 0.00004.

Submission:

Labcorp Genetics (formerly Invitae), Labcorp
Classification: Uncertain significance. Last evaluated: 2025-04-29. Review status: criteria provided, single submitter. Criteria: Invitae Variant Classification Sherloc (09022015). Collection method: clinical testing. Allele origin: germline.
Comment: This sequence change replaces arginine, which is basic and polar, with glutamine, which is neutral and polar, at codon 140 of the EFEMP1 protein (p.Arg140Gln). This variant is present in population databases (rs745831485, gnomAD 0.02%). This variant has not been reported in the literature in individuals affected with EFEMP1-related conditions. ClinVar contains an entry for this variant (Variation ID: 1513781). An algorithm developed to predict the effect of missense changes on protein structure and function (PolyPhen-2) suggests that this variant is likely to be tolerated. This variant disrupts the p.Arg140 amino acid residue in EFEMP1. Other variant(s) that disrupt this residue have been determined to be pathogenic (PMID: 26162006). This suggests that this residue is clinically significant, and that variants that disrupt this residue are likely to be disease-causing. In summary, the available evidence is currently insufficient to determine the role of this variant in disease. Therefore, it has been classified as a Variant of Uncertain Significance.

Literature cited by the submitters: PubMed 26162006.